The following is an entry in ClinVar:

ClinVar aggregate classification (germline): Likely benign. Review status: reviewed by expert panel (3 of 4 stars). 7 submissions from 7 submitters: Likely benign (1). 6 of the submissions do not count toward it. Last evaluated 2017-06-29.

Conditions:
Breast and/or ovarian cancer. Identifiers: MedGen CN221562.
Hereditary cancer-predisposing syndrome. Also called: Tumor predisposition; Neoplastic Syndromes, Hereditary; Hereditary Cancer Syndrome; Hereditary neoplastic syndrome. Identifiers: Orphanet 140162, MedGen C0027672, MeSH D009386, MONDO:0015356.
Hereditary breast ovarian cancer syndrome. Also called: Hereditary breast and ovarian cancer; Hereditary breast and ovarian cancer syndrome (HBOC); Breast and ovarian cancer; Hereditary breast and/or ovarian cancer syndrome; BRCA1- and BRCA2-Associated Hereditary Breast and Ovarian Cancer; Hereditary breast and ovarian cancer syndrome. Identifiers: Orphanet 145, MedGen C0677776, MeSH D061325, MONDO:0003582. Disease mechanism: loss of function.
Breast-ovarian cancer, familial, susceptibility to, 1 (BROVCA1). Also called: OVARIAN CANCER, SUSCEPTIBILITY TO; BRCA1 Hereditary Breast and Ovarian Cancer. Identifiers: Orphanet 145, MedGen C2676676, MONDO:0011450, OMIM 604370. Disease mechanism: loss of function.
Malignant tumor of breast. Also called: Malignant breast neoplasm; Cancer breast. Identifiers: MedGen C0006142, MONDO:0007254. Disease mechanism: loss of function.

Submissions (7):

Evidence-based Network for the Interpretation of Germline Mutant Alleles (ENIGMA)
Classification: Likely benign for Breast-ovarian cancer, familial, susceptibility to, 1. Last evaluated: 2017-06-29. Review status: reviewed by expert panel. Criteria: ENIGMA BRCA1/2 Classification Criteria (2017-06-29). Collection method: curation. Allele origin: germline.
Comment: Synonymous substitution variant, with low bioinformatic likelihood to result in a splicing aberration (Splicing prior probability 0.02).

Labcorp Genetics (formerly Invitae), Labcorp
Classification: Likely benign for Hereditary breast ovarian cancer syndrome. Last evaluated: 2026-01-04. Review status: criteria provided, single submitter. Criteria: Invitae Variant Classification Sherloc (09022015). Collection method: clinical testing. Allele origin: germline. Not counted in ClinVar's aggregate classification.

CeGaT Center for Human Genetics Tuebingen
Classification: Likely benign. Last evaluated: 2022-06-01. Review status: criteria provided, single submitter. Criteria: CeGaT Center For Human Genetics Tuebingen Variant Classification Criteria Version 2. Collection method: clinical testing. Allele origin: germline. Affected: yes. Observed: 1 variant allele. Not counted in ClinVar's aggregate classification.
Comment: BRCA1: PM2:Supporting, BP4, BP7

Ambry Genetics
Classification: Likely benign for Hereditary cancer-predisposing syndrome. Last evaluated: 2017-09-06. Review status: criteria provided, single submitter. Criteria: Ambry Variant Classification Scheme 2023. Collection method: clinical testing. Allele origin: germline. Not counted in ClinVar's aggregate classification.

GeneDx
Classification: Likely benign. Last evaluated: 2016-03-11. Review status: criteria provided, single submitter. Criteria: GeneDx Variant Classification (06012015). Collection method: clinical testing. Allele origin: germline. Affected: yes. Not counted in ClinVar's aggregate classification.
Comment: This variant is considered likely benign or benign based on one or more of the following criteria: it is a conservative change, it occurs at a poorly conserved position in the protein, it is predicted to be benign by multiple in silico algorithms, and/or has population frequency not consistent with disease.

Foulkes Cancer Genetics LDI, Lady Davis Institute for Medical Research
Classification: Likely benign for Breast and/or ovarian cancer. Last evaluated: 2012-12-13. Review status: no assertion criteria provided. Collection method: clinical testing. Allele origin: germline. Study: The Canadian Open Genetics Repository (COGR). Not counted in ClinVar's aggregate classification.

Department of Pathology and Laboratory Medicine, Sinai Health System
Classification: Likely benign for Malignant tumor of breast. Review status: no assertion criteria provided. Collection method: clinical testing. Allele origin: unknown. Affected: yes. Study: The Canadian Open Genetics Repository (COGR). Not counted in ClinVar's aggregate classification.
Comment: The p.His621His variant is not expected to have clinical significance because it does not alter an amino acid residue and is not located near a splice junction. It was not identified in the literature, nor the UMD, LOVD or BIC databases. The prevalence of this variant in the general population is not known. In summary, based on the above information the clinical significance of this variant cannot be determined with certainty at this time, although we would lean towards a more benign role for it. This variant meets our laboratory's classification criteria as predicted benign.

NM_007294.4(BRCA1):c.1863T>C (p.His621=)

Gene: BRCA1 (BRCA1 DNA repair associated; minus strand). Cytogenetic location: 17q21.31.
Variant type: single nucleotide variant.
Coding change: c.1863T>C on transcript NM_007294.4 (MANE Select); coding-DNA position 1863, T replaced by C.
Protein change: p.His621=; no amino-acid change (histidine 621 retained).
Molecular consequence: synonymous variant. On other transcripts: intron variant (137).
Genome position (GRCh38, 1-based): chr17:43,093,668, A>G on the plus strand (T>C on the coding strand, the complement: BRCA1 is on the minus strand). VCF-style: chr17-43093668-A-G. GRCh37 (hg19) VCF-style: chr17-41245685-A-G.
Other names: c.1650T>C, p.His550= (NM_001407571.1, NM_001407853.1, NM_001407894.1 and 9 more transcripts); c.1863T>C, p.His621= (NM_001407581.1, NM_001407582.1, NM_001407583.1 and 30 more transcripts); c.1860T>C, p.His620= (NM_001407587.1, NM_001407590.1, NM_001407591.1 and 22 more transcripts); c.1854T>C, p.His618= (NM_001407646.1, NM_001407647.1); c.1740T>C, p.His580= (NM_001407648.1, NM_001407664.1, NM_001407665.1 and 19 more transcripts); c.1737T>C, p.His579= (NM_001407649.1, NM_001407670.1, NM_001407671.1 and 11 more transcripts); c.1785T>C, p.His595= (NM_001407653.1, NM_001407654.1, NM_001407655.1 and 4 more transcripts); c.1782T>C, p.His594= (NM_001407659.1, NM_001407660.1, NM_001407661.1 and 1 more transcripts); and 40 more.
Identifiers: ClinVar variation 184433 (VCV000184433.41), dbSNP rs786201460, ClinGen allele CA001209.
Genomic context (GRCh38, chr17:43,093,668, plus strand): 5'-AATTTGCAATTCAGTACAATTAGGTGGGCTTAGATTTCTACTGACTACTAGTTCAAGCGC[A>G]TGAATATGCCTGGTAGAAGACTTCCTCCTCAGCCTATTCTTTTTAGGTGCTTTTGAATTG-3'
Protein context (NP_009225.1, residues 611-631): LRRKSSTRHI[His621=]ALELVVSRNL